The following is an entry in ClinVar:

ClinVar aggregate classification (germline): Benign. Review status: criteria provided, multiple submitters, no conflicts (2 of 4 stars). 2 submissions from 2 submitters: Benign (2). Last evaluated 2018-01-12.

Conditions:
Congenital brain dysgenesis due to glutamine synthetase deficiency (GLND). Also called: GLUTAMINE SYNTHASE DEFICIENCY, CONGENITAL SYSTEMIC. Identifiers: Orphanet 71278, MedGen C1864910, MONDO:0012393, OMIM 610015.

Allele frequency attached by ClinVar (database versions not stated): 1000 Genomes Project 30x 0.67895; TOPMed 0.60272; 1000 Genomes Project 0.67572; gnomAD 0.58857 and 0.59062; gnomAD exomes 0.62500.
gnomAD v4.1: 89,698 of 151,972 alleles (59%); highest among the groups gnomAD compares: East Asian, 83%; 27,372 homozygotes.

Submissions (2):

Illumina Laboratory Services, Illumina
Classification: Benign for Congenital brain dysgenesis due to glutamine synthetase deficiency. Last evaluated: 2018-01-12. Review status: criteria provided, single submitter. Criteria: ICSL Variant Classification Criteria 13 December 2019. Collection method: clinical testing. Allele origin: germline.
Comment: This variant was observed in the ICSL laboratory as part of a predisposition screen in an ostensibly healthy population. It had not been previously curated by ICSL or reported in the Human Gene Mutation Database (HGMD: prior to June 1st, 2018), and was therefore a candidate for classification through an automated scoring system. Utilizing variant allele frequency, disease prevalence and penetrance estimates, and inheritance mode, an automated score was calculated to assess if this variant is too frequent to cause the disease. Based on the score and internal cut-off values, a variant classified as benign is not then subjected to further curation. The score for this variant resulted in a classification of benign for this disease.

Breakthrough Genomics
Classification: Benign. Review status: criteria provided, single submitter. Criteria: ACMG Guidelines, 2015. Collection method: not provided. Allele origin: germline. Inheritance: Autosomal recessive inheritance. Affected: yes.

NM_001033044.4(GLUL):c.*2644G>C

Gene: GLUL (glutamate-ammonia ligase; minus strand). Cytogenetic location: 1q25.3.
Variant type: single nucleotide variant.
Coding change: c.*2644G>C on transcript NM_001033044.4 (MANE Select); 2644 bases downstream of the stop codon, G replaced by C.
Molecular consequence: 3 prime UTR variant.
Genome position (GRCh38, 1-based): chr1:182,381,761, C>G on the plus strand (G>C on the coding strand, the complement: GLUL is on the minus strand). VCF-style: chr1-182381761-C-G. GRCh37 (hg19) VCF-style: chr1-182350896-C-G.
Other names: c.*2644G>C (NM_001033056.4, NM_002065.7).
Identifiers: ClinVar variation 293882 (VCV000293882.6), dbSNP rs2296523, ClinGen allele CA10608324.